The following is an entry in ClinVar:

NM_001876.4(CPT1A):c.302C>T (p.Thr101Met)

Gene: CPT1A (carnitine palmitoyltransferase 1A; minus strand). Cytogenetic location: 11q13.3.
Variant type: single nucleotide variant.
Coding change: c.302C>T on transcript NM_001876.4 (MANE Select); coding-DNA position 302, C replaced by T.
Protein change: p.Thr101Met; replaces threonine 101 with methionine.
Molecular consequence: missense variant.
Genome position (GRCh38, 1-based): chr11:68,807,618, G>A on the plus strand (C>T on the coding strand, the complement: CPT1A is on the minus strand). VCF-style: chr11-68807618-G-A. GRCh37 (hg19) VCF-style: chr11-68575086-G-A.
Other names: c.302C>T, p.Thr101Met (NM_001031847.3); short protein forms T101M.
Identifiers: ClinVar variation 618587 (VCV000618587.57), dbSNP rs61731903, ClinGen allele CA6152713.

ClinVar aggregate classification (germline): Benign/Likely benign. Review status: criteria provided, multiple submitters, no conflicts (2 of 4 stars). 10 submissions from 10 submitters: Benign (1); Likely benign (7). 2 of the submissions do not count toward it. Last evaluated 2026-08-01.

Conditions:
CPT1A-related disorder. Also called: CPT1A-related condition.
Carnitine palmitoyl transferase 1A deficiency. Also called: Carnitine palmitoyltransferase 1A deficiency; CPT deficiency, hepatic, type IA; CPT I DEFICIENCY; CPT DEFICIENCY, HEPATIC, TYPE I; Carnitine palmitoyltransferase type I deficiency. Identifiers: Orphanet 156, MedGen C1829703, MONDO:0009705, OMIM 255120.

Allele frequency attached by ClinVar (database versions not stated): gnomAD exomes 0.00122; ExAC 0.00132; 1000 Genomes Project 30x 0.00203; gnomAD 0.00249 and 0.00262; 1000 Genomes Project 0.00260; ESP Exome Variant Server 0.00269; TOPMed 0.00270.
gnomAD v4.1: 1,589 of 1,614,054 alleles (0.098%); highest among the groups gnomAD compares: Middle Eastern, 0.71%; 6 homozygotes.

Submissions (10):

CeGaT Center for Human Genetics Tuebingen
Classification: Likely benign. Last evaluated: 2026-08-01. Review status: criteria provided, single submitter. Criteria: CeGaT Center For Human Genetics Tuebingen Variant Classification Criteria Version 2. Collection method: clinical testing. Allele origin: germline. Affected: yes. Observed: 3 variant alleles.
Comment: CPT1A: PP2, BP4, BS2

Labcorp Genetics (formerly Invitae), Labcorp
Classification: Likely benign for Carnitine palmitoyl transferase 1A deficiency. Last evaluated: 2026-01-28. Review status: criteria provided, single submitter. Criteria: Invitae Variant Classification Sherloc (09022015). Collection method: clinical testing. Allele origin: germline.

Genomic Medicine Center of Excellence, King Faisal Specialist Hospital and Research Centre
Classification: Likely benign. Last evaluated: 2025-08-18. Review status: criteria provided, single submitter. Criteria: ACMG Guidelines, 2015. Collection method: clinical testing. Allele origin: germline.

Blueprint Genetics
Classification: Likely benign. Last evaluated: 2024-11-26. Review status: criteria provided, single submitter. Criteria: ACMG Guidelines, 2015. Collection method: clinical testing. Allele origin: germline.

ARUP Laboratories, Molecular Genetics and Genomics, ARUP Laboratories
Classification: Likely benign for Carnitine palmitoyl transferase 1A deficiency. Last evaluated: 2023-09-22. Review status: criteria provided, single submitter. Criteria: ARUP Molecular Germline Variant Investigation Process 2024. Collection method: clinical testing. Allele origin: germline.

Genetics and Molecular Pathology, SA Pathology
Classification: Likely benign for Carnitine palmitoyl transferase 1A deficiency. Last evaluated: 2021-09-01. Review status: criteria provided, single submitter. Criteria: ACMG Guidelines, 2015. Collection method: clinical testing. Allele origin: germline. Inheritance: Autosomal recessive inheritance. Affected: yes.

GeneDx
Classification: Benign. Last evaluated: 2021-03-02. Review status: criteria provided, single submitter. Criteria: GeneDx Variant Classification Process June 2021. Collection method: clinical testing. Allele origin: germline. Affected: yes.

Breakthrough Genomics
Classification: Likely benign. Review status: criteria provided, single submitter. Criteria: ACMG Guidelines, 2015. Collection method: not provided. Allele origin: germline. Inheritance: Autosomal recessive inheritance. Affected: yes.

Natera, Inc.
Classification: Likely benign for Carnitine palmitoyltransferase type I deficiency. Last evaluated: 2020-09-16. Review status: no assertion criteria provided. Collection method: clinical testing. Allele origin: germline. Not counted in ClinVar's aggregate classification.

PreventionGenetics, part of Exact Sciences
Classification: Benign for CPT1A-related condition. Last evaluated: 2020-03-25. Review status: no assertion criteria provided. Collection method: clinical testing. Allele origin: germline. Not counted in ClinVar's aggregate classification.
Comment: This variant is classified as benign based on ACMG/AMP sequence variant interpretation guidelines (Richards et al. 2015 PMID: 25741868, with internal and published modifications).